The following is an entry in ClinVar:

ClinVar aggregate classification (germline): Benign (1 of 4 stars; one submission).

Conditions:
Charcot-Marie-Tooth disease type 2B (CMT2B). Also called: HEREDITARY MOTOR AND SENSORY NEUROPATHY IIB; CHARCOT-MARIE-TOOTH DISEASE, AXONAL, TYPE 2B; CHARCOT-MARIE-TOOTH DISEASE, AUTOSOMAL DOMINANT, TYPE 2B; Charcot-Marie-Tooth Neuropathy Type 2B. Identifiers: Orphanet 99936, MedGen C1833219, MONDO:0010949, OMIM 600882.

Allele frequency attached by ClinVar (database versions not stated): gnomAD exomes 0.00141; gnomAD 0.00022; TOPMed 0.00044; 1000 Genomes Project 0.00060.

Submission:

Illumina Laboratory Services, Illumina
Classification: Benign for Charcot-Marie-Tooth disease type 2B. Last evaluated: 2018-01-13. Review status: criteria provided, single submitter. Criteria: ICSL Variant Classification Criteria 13 December 2019. Collection method: clinical testing. Allele origin: germline.
Comment: This variant was observed in the ICSL laboratory as part of a predisposition screen in an ostensibly healthy population. It had not been previously curated by ICSL or reported in the Human Gene Mutation Database (HGMD: prior to June 1st, 2018), and was therefore a candidate for classification through an automated scoring system. Utilizing variant allele frequency, disease prevalence and penetrance estimates, and inheritance mode, an automated score was calculated to assess if this variant is too frequent to cause the disease. Based on the score and internal cut-off values, a variant classified as benign is not then subjected to further curation. The score for this variant resulted in a classification of benign for this disease.

NM_004637.5(RAB7A):c.-215C>T

Gene: RAB7A (RAB7A, member RAS oncogene family; plus strand). Cytogenetic location: 3q21.3.
Variant type: single nucleotide variant.
Coding change: c.-215C>T on transcript NM_004637.5; 215 bases upstream of the start codon, C replaced by T.
Genome position (GRCh38, 1-based): chr3:128,726,153, C>T. VCF-style: chr3-128726153-C-T. GRCh37 (hg19) VCF-style: chr3-128444996-C-T.
Identifiers: ClinVar variation 343150 (VCV000343150.7), dbSNP rs560785742, ClinGen allele CA10614784.